The following is an entry in ClinVar:

NM_054012.4(ASS1):c.978del (p.Trp326fs)

Gene: ASS1 (argininosuccinate synthase 1; plus strand). Cytogenetic location: 9q34.11.
Variant type: Deletion.
Coding change: c.978del on transcript NM_054012.4 (MANE Select); coding-DNA position 978, one base deleted (G; older notation c.978delG).
Protein change: p.Trp326fs; shifts the reading frame from tryptophan 326.
Molecular consequence: frameshift variant.
Genome position (GRCh38, 1-based): chr9:130,494,874, G deleted; the last of 2 consecutive G bases (chr9:130,494,873-130,494,874); deleting either gives the same sequence. VCF-style (leftmost placement, unchanged base first): chr9-130494872-TG-T. GRCh37 (hg19) VCF-style: chr9-133370259-TG-T.
Other names: c.978delG (NM_000050.4); c.978del, p.Trp326fs (NM_000050.4); short protein forms W326fs.
Identifiers: ClinVar variation 370236 (VCV000370236.6), dbSNP rs1057516338, ClinGen allele CA16041303.

ClinVar aggregate classification (germline): Pathogenic. Review status: criteria provided, single submitter (1 of 4 stars). 2 submissions from 2 submitters: Pathogenic (1). 1 of the submissions does not count toward it. Last evaluated 2023-04-28.

Conditions:
Citrullinemia type I (CTNL1). Also called: ASS DEFICIENCY; argininosuccinate synthetase deficiency. Identifiers: Orphanet 247525, MedGen C4721769, MONDO:0008988, OMIM 215700.
Citrullinemia. Identifiers: Orphanet 187, MedGen C0175683, MONDO:0015991.

Submissions (2):

Labcorp Genetics (formerly Invitae), Labcorp
Classification: Pathogenic for Citrullinemia. Last evaluated: 2023-04-28. Review status: criteria provided, single submitter. Criteria: Invitae Variant Classification Sherloc (09022015). Collection method: clinical testing. Allele origin: germline.
Comment: This sequence change creates a premature translational stop signal (p.Trp326Cysfs*50) in the ASS1 gene. It is expected to result in an absent or disrupted protein product. Loss-of-function variants in ASS1 are known to be pathogenic (PMID: 18473344, 19006241). This variant is not present in population databases (gnomAD no frequency). This variant has not been reported in the literature in individuals affected with ASS1-related conditions. ClinVar contains an entry for this variant (Variation ID: 370236). For these reasons, this variant has been classified as Pathogenic.

Counsyl
Classification: Likely pathogenic for Citrullinemia type I. Last evaluated: 2015-12-21. Review status: no assertion criteria provided. Collection method: clinical testing. Allele origin: unknown. Not counted in ClinVar's aggregate classification.

Literature cited by the submitters: PubMed 18473344 (cited by Labcorp Genetics (formerly Invitae), Labcorp); PubMed 19006241 (cited by Labcorp Genetics (formerly Invitae), Labcorp).